The following is an entry in ClinVar:

ClinVar aggregate classification (germline): Uncertain significance (1 of 4 stars; one submission).

gnomAD v4.1: 1 of 1,614,150 alleles (0.000062%); no homozygotes.

Submission:

GeneDx
Classification: Uncertain significance. Last evaluated: 2025-06-27. Review status: criteria provided, single submitter. Criteria: GeneDx Variant Classification Process June 2021. Collection method: clinical testing. Allele origin: germline. Affected: yes.
Comment: Not observed at significant frequency in large population cohorts (gnomAD); In silico analysis supports that this missense variant has a deleterious effect on protein structure/function; Has not been previously published as pathogenic or benign to our knowledge

NM_014712.3(SETD1A):c.1106A>G (p.Tyr369Cys)

Gene: SETD1A (SET domain containing 1A, histone lysine methyltransferase; plus strand). Cytogenetic location: 16p11.2.
Variant type: single nucleotide variant.
Coding change: c.1106A>G on transcript NM_014712.3 (MANE Select); coding-DNA position 1106, A replaced by G.
Protein change: p.Tyr369Cys; replaces tyrosine 369 with cysteine.
Molecular consequence: missense variant.
Genome position (GRCh38, 1-based): chr16:30,964,848, A>G. VCF-style: chr16-30964848-A-G. GRCh37 (hg19) VCF-style: chr16-30976169-A-G.
Other names: short protein forms Y369C.
Identifiers: ClinVar variation 4539905 (VCV004539905.1).
Genomic context (GRCh38, chr16:30,964,848, plus strand): 5'-CGTCATCCTCTTCCTCCTCGTCCTCTCAGTTTCGTAGTTCTGATGCAAACTACCCAGCGT[A>G]TTATGAAAGCTGGAATCGCTACCAGCGCCATACTTCCTACCCACCACGCCGGGCCACACG-3'
Protein context (NP_055527.1, residues 359-379): FRSSDANYPA[Tyr369Cys]YESWNRYQRH